The following is an entry in ClinVar:

NM_005535.3(IL12RB1):c.1624C>T (p.Gln542Ter)

Gene: IL12RB1 (interleukin 12 receptor subunit beta 1; minus strand). Cytogenetic location: 19p13.11.
Variant type: single nucleotide variant.
Coding change: c.1624C>T on transcript NM_005535.3 (MANE Select); coding-DNA position 1624, C replaced by T.
Protein change: p.Gln542Ter; replaces glutamine 542 with a stop codon.
Molecular consequence: nonsense.
Genome position (GRCh38, 1-based): chr19:18,062,272, G>A on the plus strand (C>T on the coding strand, the complement: IL12RB1 is on the minus strand). VCF-style: chr19-18062272-G-A. GRCh37 (hg19) VCF-style: chr19-18173082-G-A.
Other names: c.1624C>T (NM_005535.2); c.1624C>T, p.Gln542Ter (NM_001290023.2); c.1744C>T, p.Gln582Ter (NM_001290024.2); short protein forms Q542*, Q582*.
Identifiers: ClinVar variation 3353142 (VCV003353142.2), dbSNP rs372833507.

ClinVar aggregate classification (germline): Pathogenic (1 of 4 stars; one submission).

Conditions:
IL12RB1-related disorder. Also called: IL12RB1-related condition.

Submission:

PreventionGenetics, part of Exact Sciences
Classification: Pathogenic for IL12RB1-related condition. Last evaluated: 2025-04-23. Review status: criteria provided, single submitter. Criteria: ACMG Guidelines, 2015. Collection method: clinical testing. Allele origin: germline.
Comment: The IL12RB1 c.1624C>T variant is predicted to result in premature protein termination (p.Gln542*). This variant has been reported as a germline variant in multiple individuals with colorectal cancer (Chubb et al. 2016. PubMed ID: 27329137). This variant is reported in 0.022% of alleles in individuals of European (Non-Finnish) descent in gnomAD. Nonsense variants in IL12RB1 are expected to be pathogenic. This variant is interpreted as pathogenic.